The following is an entry in ClinVar:

ClinVar aggregate classification (germline): Conflicting classifications of pathogenicity. Review status: criteria provided, conflicting classifications (1 of 4 stars). 6 submissions from 3 submitters: Uncertain significance (4); Likely benign (2). Last evaluated 2025-12-09.

Conditions:
Inborn genetic diseases. Identifiers: MedGen C0950123, MeSH D030342.
Retinitis pigmentosa (RP). Identifiers: Orphanet 791, MedGen C0035334, MeSH D012174, MONDO:0019200, OMIM 268000. Inheritance: Autosomal dominant, autosomal recessive and X linked inheritance.
Stargardt disease 4 (STGD4). Identifiers: Orphanet 827, MedGen C1863534, MONDO:0011370, OMIM 603786.
Cone-rod dystrophy 12 (CORD12). Identifiers: Orphanet 1872, MedGen C2675210, MONDO:0012983, OMIM 612657.
Retinal macular dystrophy type 2 (MCDR2). Also called: Bull's eye macular dystrophy. Identifiers: Orphanet 319640, MedGen C4749334, MONDO:0011957, OMIM 608051.

Allele frequency attached by ClinVar (database versions not stated): ExAC 0.00003; TOPMed 0.00003; gnomAD 0.00004; gnomAD exomes 0.00004.

Submissions (6):

Labcorp Genetics (formerly Invitae), Labcorp
Classification: Uncertain significance. Last evaluated: 2025-12-09. Review status: criteria provided, single submitter. Criteria: Invitae Variant Classification Sherloc (09022015). Collection method: clinical testing. Allele origin: germline.
Comment: This sequence change replaces arginine, which is basic and polar, with cysteine, which is neutral and slightly polar, at codon 399 of the PROM1 protein (p.Arg399Cys). This variant is present in population databases (rs770268627, gnomAD 0.02%). This variant has not been reported in the literature in individuals affected with PROM1-related conditions. ClinVar contains an entry for this variant (Variation ID: 903654). Invitae Evidence Modeling of protein sequence and biophysical properties (such as structural, functional, and spatial information, amino acid conservation, physicochemical variation, residue mobility, and thermodynamic stability) indicates that this missense variant is not expected to disrupt PROM1 protein function with a negative predictive value of 80%. In summary, the available evidence is currently insufficient to determine the role of this variant in disease. Therefore, it has been classified as a Variant of Uncertain Significance.

Ambry Genetics
Classification: Uncertain significance for Inborn genetic diseases. Last evaluated: 2025-04-20. Review status: criteria provided, single submitter. Criteria: Ambry Variant Classification Scheme 2023. Collection method: clinical testing. Allele origin: germline.

Illumina Laboratory Services, Illumina
Classification: Uncertain significance for Retinitis pigmentosa. Last evaluated: 2018-01-13. Review status: criteria provided, single submitter. Criteria: ICSL Variant Classification Criteria 13 December 2019. Collection method: clinical testing. Allele origin: germline.

Illumina Laboratory Services, Illumina
Classification: Likely benign for Cone-rod dystrophy 12. Last evaluated: 2018-01-13. Review status: criteria provided, single submitter. Criteria: ICSL Variant Classification Criteria 13 December 2019. Collection method: clinical testing. Allele origin: germline.
Comment: This variant was observed in the ICSL laboratory as part of a predisposition screen in an ostensibly healthy population. It had not been previously curated by ICSL or reported in the Human Gene Mutation Database (HGMD: prior to June 1st, 2018), and was therefore a candidate for classification through an automated scoring system. Utilizing variant allele frequency, disease prevalence and penetrance estimates, and inheritance mode, an automated score was calculated to assess if this variant is too frequent to cause the disease. Based on the score and internal cut-off values, a variant classified as likely benign is not then subjected to further curation. The score for this variant resulted in a classification of likely benign for this disease.

Illumina Laboratory Services, Illumina
Classification: Likely benign for Stargardt disease 4. Last evaluated: 2018-01-13. Review status: criteria provided, single submitter. Criteria: ICSL Variant Classification Criteria 13 December 2019. Collection method: clinical testing. Allele origin: germline.
Comment: the same text as in the submission from Illumina Laboratory Services, Illumina above.

Illumina Laboratory Services, Illumina
Classification: Uncertain significance for Retinal macular dystrophy type 2. Last evaluated: 2018-01-13. Review status: criteria provided, single submitter. Criteria: ICSL Variant Classification Criteria 13 December 2019. Collection method: clinical testing. Allele origin: germline.

NM_006017.3(PROM1):c.1195C>T (p.Arg399Cys)

Gene: PROM1 (prominin 1; minus strand). Cytogenetic location: 4p15.32.
Variant type: single nucleotide variant.
Coding change: c.1195C>T on transcript NM_006017.3 (MANE Select); coding-DNA position 1195, C replaced by T.
Protein change: p.Arg399Cys; replaces arginine 399 with cysteine.
Molecular consequence: missense variant.
Genome position (GRCh38, 1-based): chr4:16,009,055, G>A on the plus strand (C>T on the coding strand, the complement: PROM1 is on the minus strand). VCF-style: chr4-16009055-G-A. GRCh37 (hg19) VCF-style: chr4-16010678-G-A.
Other names: c.1168C>T, p.Arg390Cys (NM_001145847.2, NM_001145848.2, NM_001145851.2 and 4 more transcripts); c.1195C>T, p.Arg399Cys (NM_001145849.2, NM_001145850.2); short protein forms R390C, R399C.
Identifiers: ClinVar variation 903654 (VCV000903654.12), dbSNP rs770268627, ClinGen allele CA2866838.
Genomic context (GRCh38, chr4:16,009,055, plus strand): 5'-AACTTTCAGTGTTATTAACATAAACAGAGAATGCTGAGAGTATATCCTGAATAGGAAGAC[G>A]CTGAGTTACATTGTCGATATCTGAACCAATGGAATTCAAGACCCTTTTGATACCTGAAAA-3'
Protein context (NP_006008.1, residues 389-409): IGSDIDNVTQ[Arg399Cys]LPIQDILSAF